The following is an entry in ClinVar:

NM_006796.3(AFG3L2):c.2092G>T (p.Asp698Tyr)

Gene: AFG3L2 (AFG3 like matrix AAA peptidase subunit 2; minus strand). Cytogenetic location: 18p11.21.
Variant type: single nucleotide variant.
Coding change: c.2092G>T on transcript NM_006796.3 (MANE Select); coding-DNA position 2092, G replaced by T.
Protein change: p.Asp698Tyr; replaces aspartic acid 698 with tyrosine.
Molecular consequence: missense variant.
Genome position (GRCh38, 1-based): chr18:12,337,424, C>A on the plus strand (G>T on the coding strand, the complement: AFG3L2 is on the minus strand). VCF-style: chr18-12337424-C-A. GRCh37 (hg19) VCF-style: chr18-12337423-C-A.
Other names: short protein forms D698Y.
Identifiers: ClinVar variation 810708 (VCV000810708.47), dbSNP rs1598820833, ClinGen allele CA401943925.

ClinVar aggregate classification (germline): Uncertain significance. Review status: criteria provided, multiple submitters, no conflicts (2 of 4 stars). 3 submissions from 3 submitters: Uncertain significance (3). Last evaluated 2026-08-06.

Submissions (3):

GeneDx
Classification: Uncertain significance. Last evaluated: 2026-08-06. Review status: criteria provided, single submitter. Criteria: GeneDx Variant Classification Process June 2021. Collection method: clinical testing. Allele origin: germline.
Comment: Has not been previously published as pathogenic or benign to our knowledge; Not observed at significant frequency in large population cohorts (gnomAD); In silico analysis supports that this missense variant has a deleterious effect on protein structure/function

Athena Diagnostics
Classification: Uncertain significance. Last evaluated: 2021-08-31. Review status: criteria provided, single submitter. Criteria: Athena Diagnostics Criteria. Collection method: clinical testing. Allele origin: unknown.

CeGaT Center for Human Genetics Tuebingen
Classification: Uncertain significance. Last evaluated: 2018-12-01. Review status: criteria provided, single submitter. Criteria: CeGaT Center For Human Genetics Tuebingen Variant Classification Criteria Version 2. Collection method: clinical testing. Allele origin: germline. Affected: yes. Observed: 1 variant allele.